The following is an entry in ClinVar:

NM_133433.4(NIPBL):c.3369A>G (p.Arg1123=)

Gene: NIPBL (NIPBL cohesin loading factor; plus strand). Cytogenetic location: 5p13.2.
Variant type: single nucleotide variant.
Coding change: c.3369A>G on transcript NM_133433.4 (MANE Select); coding-DNA position 3369, A replaced by G.
Protein change: p.Arg1123=; no amino-acid change (arginine 1123 retained).
Molecular consequence: synonymous variant.
Genome position (GRCh38, 1-based): chr5:37,000,437, A>G. VCF-style: chr5-37000437-A-G. GRCh37 (hg19) VCF-style: chr5-37000539-A-G.
Other names: c.3369A>G, p.Arg1123= (NM_015384.5).
Identifiers: ClinVar variation 791134 (VCV000791134.5), dbSNP rs140344071, ClinGen allele CA3236325.

ClinVar aggregate classification (germline): Likely benign. Review status: criteria provided, single submitter (1 of 4 stars). 2 submissions from 2 submitters: Likely benign (1). 1 of the submissions does not count toward it. Last evaluated 2017-07-25.

Conditions:
NIPBL-related disorder. Also called: NIPBL-related condition.

Allele frequency attached by ClinVar (database versions not stated): TOPMed 0.00002.
gnomAD v4.1: 8 of 1,613,352 alleles (0.0005%); highest among the groups gnomAD compares: African/African-American, 0.0093%; no homozygotes.

Submissions (2):

Labcorp Genetics (formerly Invitae), Labcorp
Classification: Likely benign. Last evaluated: 2017-07-25. Review status: criteria provided, single submitter. Criteria: Invitae Variant Classification Sherloc (09022015). Collection method: clinical testing. Allele origin: germline.

PreventionGenetics, part of Exact Sciences
Classification: Likely benign for NIPBL-related condition. Last evaluated: 2023-08-01. Review status: no assertion criteria provided. Collection method: clinical testing. Allele origin: germline. Not counted in ClinVar's aggregate classification.
Comment: This variant is classified as likely benign based on ACMG/AMP sequence variant interpretation guidelines (Richards et al. 2015 PMID: 25741868, with internal and published modifications).